The following is an entry in ClinVar:

NM_002432.3(MNDA):c.545C>T (p.Thr182Ile)

Gene: MNDA (myeloid cell nuclear differentiation antigen; plus strand). Cytogenetic location: 1q23.1.
Variant type: single nucleotide variant.
Coding change: c.545C>T on transcript NM_002432.3 (MANE Select); coding-DNA position 545, C replaced by T.
Protein change: p.Thr182Ile; replaces threonine 182 with isoleucine.
Molecular consequence: missense variant.
Genome position (GRCh38, 1-based): chr1:158,844,097, C>T. VCF-style: chr1-158844097-C-T. GRCh37 (hg19) VCF-style: chr1-158813887-C-T.
Other names: short protein forms T182I.
Identifiers: ClinVar variation 2496951 (VCV002496951.2), dbSNP rs150421488, ClinGen allele CA1185631.
Genomic context (GRCh38, chr1:158,844,097, plus strand): 5'-CAGGAGCCAGCACATCTGCAGCTGTGGATCATCCCCCACTACCCCAGACCTCATCATCAA[C>T]TCCATCCAACACTTCGTTTACTCCGGTACACTCTTCCTGGTCCTCTTCTCCATTTTTTTT-3'
Protein context (NP_002423.1, residues 172-192): HPPLPQTSSS[Thr182Ile]PSNTSFTPNQ

ClinVar aggregate classification (germline): Uncertain significance (1 of 4 stars; one submission).

Allele frequency attached by ClinVar (database versions not stated): gnomAD exomes 0.00001; ExAC 0.00003; ESP Exome Variant Server 0.00008.
gnomAD v4.1: 17 of 1,592,212 alleles (0.0011%); highest among the groups gnomAD compares: South Asian, 0.016%; no homozygotes.

Submission:

Ambry Genetics
Classification: Uncertain significance. Last evaluated: 2023-02-09. Review status: criteria provided, single submitter. Criteria: Ambry Variant Classification Scheme 2023. Collection method: clinical testing. Allele origin: germline.
Comment: The p.T182I variant (also known as c.545C>T), located in coding exon 3 of the MNDA gene, results from a C to T substitution at nucleotide position 545. The threonine at codon 182 is replaced by isoleucine, an amino acid with similar properties. This amino acid position is conserved. In addition, this alteration is predicted to be tolerated by in silico analysis. Since supporting evidence is limited at this time, the clinical significance of this alteration remains unclear.